The following is an entry in ClinVar:

NM_001792.5(CDH2):c.1916T>C (p.Phe639Ser)

Gene: CDH2 (cadherin 2; minus strand). Cytogenetic location: 18q12.1.
Variant type: single nucleotide variant.
Coding change: c.1916T>C on transcript NM_001792.5 (MANE Select); coding-DNA position 1916, T replaced by C.
Protein change: p.Phe639Ser; replaces phenylalanine 639 with serine.
Molecular consequence: missense variant.
Genome position (GRCh38, 1-based): chr18:27,985,587, A>G on the plus strand (T>C on the coding strand, the complement: CDH2 is on the minus strand). VCF-style: chr18-27985587-A-G. GRCh37 (hg19) VCF-style: chr18-25565551-A-G.
Other names: c.1823T>C, p.Phe608Ser (NM_001308176.2); short protein forms F608S, F639S.
Identifiers: ClinVar variation 4772906 (VCV004772906.1).

ClinVar aggregate classification (germline): Uncertain significance (1 of 4 stars; one submission).

Submission:

Labcorp Genetics (formerly Invitae), Labcorp
Classification: Uncertain significance. Last evaluated: 2025-06-29. Review status: criteria provided, single submitter. Criteria: Invitae Variant Classification Sherloc (09022015). Collection method: clinical testing. Allele origin: germline.
Comment: This sequence change replaces phenylalanine, which is neutral and non-polar, with serine, which is neutral and polar, at codon 639 of the CDH2 protein (p.Phe639Ser). This variant is not present in population databases (gnomAD no frequency). This variant has not been reported in the literature in individuals affected with CDH2-related conditions. An algorithm developed to predict the effect of missense changes on protein structure and function (PolyPhen-2) suggests that this variant is likely to be disruptive. In summary, the available evidence is currently insufficient to determine the role of this variant in disease. Therefore, it has been classified as a Variant of Uncertain Significance.